The following is an entry in ClinVar:

ClinVar aggregate classification (germline): Uncertain significance (1 of 4 stars; one submission).

Submission:

GeneDx
Classification: Uncertain significance. Last evaluated: 2025-01-22. Review status: criteria provided, single submitter. Criteria: GeneDx Variant Classification Process June 2021. Collection method: clinical testing. Allele origin: germline. Affected: yes.
Comment: Not observed at significant frequency in large population cohorts (gnomAD); In silico analysis supports that this missense variant has a deleterious effect on protein structure/function; Has not been previously published as pathogenic or benign to our knowledge

NM_001366521.1(ATP2B1):c.1295C>T (p.Pro432Leu)

Gene: ATP2B1 (ATPase plasma membrane Ca2+ transporting 1; minus strand). Cytogenetic location: 12q21.33.
Variant type: single nucleotide variant.
Coding change: c.1295C>T on transcript NM_001366521.1 (MANE Select); coding-DNA position 1295, C replaced by T.
Protein change: p.Pro432Leu; replaces proline 432 with leucine.
Molecular consequence: missense variant. On other transcripts: non-coding transcript variant (3).
Genome position (GRCh38, 1-based): chr12:89,624,232, G>A on the plus strand (C>T on the coding strand, the complement: ATP2B1 is on the minus strand). VCF-style: chr12-89624232-G-A. GRCh37 (hg19) VCF-style: chr12-90018009-G-A.
Other names: c.1295C>T, p.Pro432Leu (NM_001001323.2, NM_001366520.1, NM_001366522.1 and 13 more transcripts); c.1097C>T, p.Pro366Leu (NM_001366530.1, NM_001413053.1); c.734C>T, p.Pro245Leu (NM_001366531.1, NM_001366532.1, NM_001413058.1 and 2 more transcripts); c.1040C>T, p.Pro347Leu (NM_001413056.1); c.842C>T, p.Pro281Leu (NM_001413057.1); c.1256C>T, p.Pro419Leu (NM_001413048.1); c.1154C>T, p.Pro385Leu (NM_001413051.1, NM_001413052.1, NM_001413055.1); short protein forms P245L, P281L, P347L, P366L, P385L, P419L, P432L.
Identifiers: ClinVar variation 4071804 (VCV004071804.1).